The following is an entry in ClinVar:

NM_001267550.2(TTN):c.39374_39376del (p.Pro13125del)

Gene: TTN (titin; minus strand). Cytogenetic location: 2q31.2.
Variant type: Deletion.
Coding change: c.39374_39376del on transcript NM_001267550.2 (MANE Select); coding-DNA positions 39374 to 39376, 3 bases deleted (CAC; older notation c.39374_39376delCAC).
Protein change: p.Pro13125del; deletes proline 13125.
Molecular consequence: inframe deletion. On other transcripts: intron variant (3).
Genome position (GRCh38, 1-based): chr2:178,651,887-178,651,889, GTG deleted on the plus strand (CAC on the coding strand, the reverse complement: TTN is on the minus strand); deleting any 3 consecutive bases within chr2:178,651,887-178,651,890 gives the same sequence; the c. name uses the placement nearest the transcript's 3' end. VCF-style (leftmost placement, unchanged base first): chr2-178651886-TGTG-T. GRCh37 (hg19) VCF-style: chr2-179516613-TGTG-T.
Other names: c.32072_32074delCAC (NM_133378.4); c.34853_34855del, p.Pro11618del (NM_001256850.1); c.32072_32074del, p.Pro10691del (NM_133378.4); c.13283-9572_13283-9570del (NM_003319.4); c.13859-9572_13859-9570del (NM_133437.4); c.13658-9572_13658-9570del (NM_133432.3); c.39374_39376delCAC (NM_001267550.2); short protein forms P13125del, P11618del, P10691del.
Identifiers: ClinVar variation 535705 (VCV000535705.10), dbSNP rs1292233616, ClinGen allele CA538436641.

ClinVar aggregate classification (germline): Uncertain significance. Review status: criteria provided, multiple submitters, no conflicts (2 of 4 stars). 5 submissions from 5 submitters: Uncertain significance (5). Last evaluated 2026-04-09.

Conditions:
Dilated cardiomyopathy 1G (CMD1G). Identifiers: Orphanet 154, MedGen C1858763, MONDO:0011400, OMIM 604145.
Autosomal recessive limb-girdle muscular dystrophy type 2J (LGMDR10). Also called: MUSCULAR DYSTROPHY, LIMB-GIRDLE, AUTOSOMAL RECESSIVE 10; Limb-girdle muscular dystrophy, type 2J. Identifiers: Orphanet 140922, MedGen C1837342, MONDO:0012127, OMIM 608807.
TTN-related disorder. Also called: TTN-related condition; TTN-related disease; TTN-related disorders.

Submissions (5):

PreventionGenetics, part of Exact Sciences
Classification: Uncertain significance for TTN-related condition. Last evaluated: 2026-04-09. Review status: criteria provided, single submitter. Criteria: ACMG Guidelines, 2015. Collection method: clinical testing. Allele origin: germline.
Comment: The TTN c.39374_39376delCAC variant is predicted to result in an in-frame deletion (p.Pro13125del). To our knowledge, this variant has not been reported in the literature. This variant is reported in 0.0061% of alleles in individuals of Latino descent in gnomAD. At this time, the clinical significance of this variant is uncertain due to the absence of conclusive functional and genetic evidence.

Women's Health and Genetics/Laboratory Corporation of America, LabCorp
Classification: Uncertain significance. Last evaluated: 2025-07-24. Review status: criteria provided, single submitter. Criteria: LabCorp Variant Classification Summary - May 2015. Collection method: clinical testing. Allele origin: germline.
Comment: Variant summary: TTN c.32072_32074delCAC (p.Pro10691del) results in an in-frame deletion that is predicted to remove 1 amino acid from the encoded protein. The variant allele was found at a frequency of 8.5e-06 in 236178 control chromosomes. The available data on variant occurrences in the general population are insufficient to allow any conclusion about variant significance. To our knowledge, no occurrence of c.32072_32074delCAC in individuals affected with Dilated Cardiomyopathy and no experimental evidence demonstrating its impact on protein function have been reported. ClinVar contains an entry for this variant (Variation ID: 535705). Based on the evidence outlined above, the variant was classified as uncertain significance.

GeneDx
Classification: Uncertain significance. Last evaluated: 2022-03-14. Review status: criteria provided, single submitter. Criteria: GeneDx Variant Classification Process June 2021. Collection method: clinical testing. Allele origin: germline. Affected: yes.
Comment: Not observed at significant frequency in large population cohorts (gnomAD); In-frame deletion on 1 amino-acid in a gene in which most reported pathogenic variants are truncating/loss-of-function; Has not been previously published as pathogenic or benign to our knowledge; This variant is associated with the following publications: (PMID: 23975875)

Revvity Omics, Revvity
Classification: Uncertain significance. Last evaluated: 2019-02-15. Review status: criteria provided, single submitter. Criteria: ACMG Guidelines, 2015. Collection method: clinical testing. Allele origin: germline.

Labcorp Genetics (formerly Invitae), Labcorp
Classification: Uncertain significance for Dilated cardiomyopathy 1G; Autosomal recessive limb-girdle muscular dystrophy type 2J. Last evaluated: 2017-11-22. Review status: criteria provided, single submitter. Criteria: Invitae Variant Classification Sherloc (09022015). Collection method: clinical testing. Allele origin: germline.